The following is an entry in ClinVar:

ClinVar aggregate classification (germline): Uncertain significance (1 of 4 stars; one submission).

Conditions:
Pontocerebellar hypoplasia type 2D (PCH2D). Also called: Progressive cerebello-cerebral atrophy. Identifiers: Orphanet 247198, Orphanet 2524, MedGen C3151140, MONDO:0013438, OMIM 613811.

Submission:

Myriad Genetics, Inc.
Classification: Uncertain significance for Pontocerebellar hypoplasia type 2D. Last evaluated: 2026-08-03. Review status: criteria provided, single submitter. Criteria: Myriad Autosomal Dominant, Autosomal Recessive and X-Linked Classification Criteria (2023). Collection method: clinical testing. Allele origin: unknown.
Comment: NM_016955.3(SEPSECS):c.324_326dupTGC(A109dup) is an in-frame insertion classified as a variant of uncertain significance in the context of pontocerebellar hypoplasia, SEPSECS-related. A109dup has not been observed in cases with relevant disease. Relevant functional assessments of this variant are not available in the literature. A109dup has not been observed in referenced population frequency databases. In summary, there is insufficient evidence to classify NM_016955.3(SEPSECS):c.324_326dupTGC(A109dup) as pathogenic or benign. Please note: this variant was assessed in the context of healthy population screening.

NM_016955.4(SEPSECS):c.324_326dup (p.Ala109_Gly110insAla)

Gene: SEPSECS (Sep (O-phosphoserine) tRNA:Sec (selenocysteine) tRNA synthase; minus strand). Cytogenetic location: 4p15.2.
Variant type: Duplication.
Coding change: c.324_326dup on transcript NM_016955.4 (MANE Select); coding-DNA positions 324 to 326, 3 bases duplicated (TGC; older notation c.324_326dupTGC).
Protein change: p.Ala109_Gly110insAla.
Molecular consequence: inframe insertion.
Genome position (GRCh38, 1-based): chr4:25,156,918-25,156,920, GCA duplicated on the plus strand (TGC on the coding strand, the reverse complement: SEPSECS is on the minus strand); duplicating any 3 consecutive bases within chr4:25,156,918-25,156,922 gives the same sequence; the c. name uses the placement nearest the transcript's 3' end. VCF-style (leftmost placement, unchanged base first): chr4-25156917-T-TGCA. GRCh37 (hg19) VCF-style: chr4-25158539-T-TGCA.
Other names: c.579_581dup, p.Ala194_Gly195insAla (NM_001410714.1).
Identifiers: ClinVar variation 5003707 (VCV005003707.1).
Genomic context (GRCh38, chr4:25,156,917, plus strand): 5'-AGCCAGCTTTATAATGTCCAGGACCAAAGAATTGGTAATTTTGTTCAAAAGGCTAGAGCC[T>TGCA]GCAGCTTTTGGTTGCACAGCAGAAATATCACCGGATCGTCCAATGCCATGAATGAACCTA-3'